The following is an entry in ClinVar:

ClinVar aggregate classification (germline): Uncertain significance. Review status: criteria provided, multiple submitters, no conflicts (2 of 4 stars). 2 submissions from 2 submitters: Uncertain significance (2). Last evaluated 2026-06-16.

Conditions:
Mitochondrial complex II deficiency, nuclear type 1. Also called: SUCCINATE CoQ REDUCTASE DEFICIENCY. Identifiers: Orphanet 3208, MedGen C5700310, MONDO:0100294, OMIM 252011.
Pheochromocytoma/paraganglioma syndrome 5. Also called: Paragangliomas 5; SDHA-Related Hereditary Paraganglioma-Pheochromocytoma Syndrome. Identifiers: Orphanet 29072, MedGen C3279992, MONDO:0013602, OMIM 614165.
Hereditary cancer-predisposing syndrome. Also called: Neoplastic Syndromes, Hereditary; Hereditary Cancer Syndrome; Hereditary neoplastic syndrome; Tumor predisposition. Identifiers: Orphanet 140162, MedGen C0027672, MeSH D009386, MONDO:0015356.

Submissions (2):

Ambry Genetics
Classification: Uncertain significance for Hereditary cancer-predisposing syndrome. Last evaluated: 2026-06-16. Review status: criteria provided, single submitter. Criteria: Ambry Variant Classification Scheme 2023. Collection method: clinical testing. Allele origin: germline.
Comment: The p.E154K variant (also known as c.460G>A), located in coding exon 5 of the SDHA gene, results from a G to A substitution at nucleotide position 460. The glutamic acid at codon 154 is replaced by lysine, an amino acid with similar properties. This amino acid position is highly conserved in available vertebrate species. In addition, this alteration is predicted to be deleterious by in silico analysis. Based on the available evidence, the clinical significance of this variant remains unclear.

Labcorp Genetics (formerly Invitae), Labcorp
Classification: Uncertain significance for Pheochromocytoma/paraganglioma syndrome 5; Mitochondrial complex II deficiency, nuclear type 1. Last evaluated: 2018-03-15. Review status: criteria provided, single submitter. Criteria: Invitae Variant Classification Sherloc (09022015). Collection method: clinical testing. Allele origin: germline.
Comment: This sequence change replaces glutamic acid with lysine at codon 154 of the SDHA protein (p.Glu154Lys). The glutamic acid residue is highly conserved and there is a small physicochemical difference between glutamic acid and lysine. This variant is not present in population databases (ExAC no frequency). This variant has not been reported in the literature in individuals with SDHA-related disease. Algorithms developed to predict the effect of missense changes on protein structure and function do not agree on the potential impact of this missense change (SIFT: "Deleterious"; PolyPhen-2: "Probably Damaging"; Align-GVGD: "Class C15"). In summary, the available evidence is currently insufficient to determine the role of this variant in disease. Therefore, it has been classified as a Variant of Uncertain Significance.

NM_004168.4(SDHA):c.460G>A (p.Glu154Lys)

Gene: SDHA (succinate dehydrogenase complex flavoprotein subunit A; plus strand). Cytogenetic location: 5p15.33.
Variant type: single nucleotide variant.
Coding change: c.460G>A on transcript NM_004168.4 (MANE Select); coding-DNA position 460, G replaced by A.
Protein change: p.Glu154Lys; replaces glutamic acid 154 with lysine.
Molecular consequence: missense variant.
Genome position (GRCh38, 1-based): chr5:225,886, G>A. VCF-style: chr5-225886-G-A. GRCh37 (hg19) VCF-style: chr5-226001-G-A.
Other names: c.316G>A, p.Glu106Lys (NM_001294332.2); c.460G>A, p.Glu154Lys (NM_001330758.2); c.460G>A (NM_004168.2); short protein forms E154K, E106K.
Identifiers: ClinVar variation 576542 (VCV000576542.11), dbSNP rs1560987595, ClinGen allele CA359009795.